The following is an entry in ClinVar:

ClinVar aggregate classification (germline): Likely benign. Review status: criteria provided, multiple submitters, no conflicts (2 of 4 stars). 3 submissions from 3 submitters: Likely benign (3). Last evaluated 2024-02-22.

Conditions:
Hypercholesterolemia, autosomal dominant, 3 (FHCL3). Also called: PCSK9-Related Familial Hypercholesterolemia, Autosomal Dominant; Familial Hypercholesterolemia, Autosomal Dominant, 3; Familial hypercholesterolemia 3. Identifiers: MedGen C1863551, MONDO:0011369, OMIM 603776.
Familial hypercholesterolemia. Also called: Familial hypercholesterolaemia; Familial hypercholesterolemias. Identifiers: MedGen C0020445, MONDO:0005439.

Allele frequency attached by ClinVar (database versions not stated): TOPMed below 0.00001.
gnomAD v4.1: 6 of 1,612,574 alleles (0.00037%); highest among the groups gnomAD compares: South Asian, 0.0011%; no homozygotes.

Submissions (3):

All of Us Research Program, National Institutes of Health
Classification: Likely benign for Hypercholesterolemia, autosomal dominant, 3. Last evaluated: 2024-02-22. Review status: criteria provided, single submitter. Criteria: ACMG Guidelines, 2015. Collection method: clinical testing. Allele origin: germline. Inheritance: Autosomal dominant inheritance. Observed: 1 variant allele, 1 heterozygote.
Comment: This study involves interpretation of variants in research participants for the purpose of population health screening. Participant phenotype was not available at the time of variant classification. Additional details can be found in publication PMID: 35346344, PMCID: PMC8962531

Labcorp Genetics (formerly Invitae), Labcorp
Classification: Likely benign for Hypercholesterolemia, autosomal dominant, 3. Last evaluated: 2022-12-07. Review status: criteria provided, single submitter. Criteria: Invitae Variant Classification Sherloc (09022015). Collection method: clinical testing. Allele origin: germline.

Color Diagnostics, LLC DBA Color Health
Classification: Likely benign for Familial hypercholesterolemia. Last evaluated: 2019-12-23. Review status: criteria provided, single submitter. Criteria: ACMG Guidelines, 2015. Collection method: clinical testing. Allele origin: germline.

NM_174936.4(PCSK9):c.2055G>A (p.Ala685=)

Gene: PCSK9 (proprotein convertase subtilisin/kexin type 9; plus strand). Cytogenetic location: 1p32.3.
Variant type: single nucleotide variant.
Coding change: c.2055G>A on transcript NM_174936.4 (MANE Select); coding-DNA position 2055, G replaced by A.
Protein change: p.Ala685=; no amino-acid change (alanine 685 retained).
Molecular consequence: synonymous variant. On other transcripts: non-coding transcript variant (8).
Genome position (GRCh38, 1-based): chr1:55,063,560, G>A. VCF-style: chr1-55063560-G-A. GRCh37 (hg19) VCF-style: chr1-55529233-G-A.
Other names: c.2178G>A, p.Ala726= (NM_001407240.1); c.2097G>A, p.Ala699= (NM_001407241.1); c.2058G>A, p.Ala686= (NM_001407242.1); c.1998G>A, p.Ala666= (NM_001407243.1); c.1881G>A, p.Ala627= (NM_001407244.1); c.1863G>A, p.Ala621= (NM_001407245.1); c.1680G>A, p.Ala560= (NM_001407246.1); c.1554G>A, p.Ala518= (NM_001407247.1).
Identifiers: ClinVar variation 790219 (VCV000790219.13), dbSNP rs1490853919, ClinGen allele CA417960715.